The following is an entry in ClinVar:

ClinVar aggregate classification (germline): Uncertain significance (1 of 4 stars; one submission).

Submission:

GeneDx
Classification: Uncertain significance. Last evaluated: 2022-02-07. Review status: criteria provided, single submitter. Criteria: GeneDx Variant Classification Process June 2021. Collection method: clinical testing. Allele origin: germline. Affected: yes.
Comment: In-frame deletion of 4 amino acids in a non-repeat region; In silico analysis supports that this variant does not alter protein structure/function; Has not been previously published as pathogenic or benign to our knowledge; This variant is associated with the following publications: (PMID: 26490311, 34110954)

NM_004958.4(MTOR):c.5499_5510del (p.1830TAAT[1])

Gene: MTOR (mechanistic target of rapamycin kinase; minus strand). Cytogenetic location: 1p36.22.
Variant type: Deletion.
Coding change: c.5499_5510del on transcript NM_004958.4 (MANE Select); coding-DNA positions 5499 to 5510, 12 bases deleted (CACGGCCGCCAC).
Protein change: p.1830TAAT[1].
Molecular consequence: inframe deletion.
Genome position (GRCh38, 1-based): chr1:11,130,632-11,130,643, GTGGCGGCCGTG deleted on the plus strand (CACGGCCGCCAC on the coding strand, the reverse complement: MTOR is on the minus strand); deleting any 12 consecutive bases within chr1:11,130,632-11,130,651 gives the same sequence; the c. name uses the placement nearest the transcript's 3' end. VCF-style (leftmost placement, unchanged base first): chr1-11130631-AGTGGCGGCCGTG-A. GRCh37 (hg19) VCF-style: chr1-11190688-AGTGGCGGCCGTG-A.
Other names: c.5499_5510del, p.1830TAAT[1] (NM_001386500.1); c.4251_4262del, p.1414TAAT[1] (NM_001386501.1).
Identifiers: ClinVar variation 1700372 (VCV001700372.2), dbSNP rs1220605886, ClinGen allele CA521453900.
Genomic context (GRCh38, chr1:11,130,631, plus strand): 5'-CTCGGTGCTCTCGGCCTCGCTCTCACTGTTGCTGCCCTCGGTGCTGGCAGTGGTGGTGGC[AGTGGCGGCCGTG>A]GTGGCGGCAGTGGTGGCGTTGGTGATGTTGGCCCCGCTGGCATGACGCAGTTTCTTCTTC-3'